The following is an entry in ClinVar:

NM_002971.6(SATB1):c.1801CAG[6] (p.Gln607del)

Gene: SATB1 (SATB homeobox 1; minus strand). Cytogenetic location: 3p24.3.
Variant type: Microsatellite.
Coding change: c.1801CAG[6] on transcript NM_002971.6 (MANE Select); six copies in a row of the 3-base unit CAG starting at c.1801; the reference has seven copies in a row; one copy, 3 bases deleted.
Protein change: p.Gln607del; deletes glutamine 607.
Genome position (GRCh38, 1-based): chr3:18,349,641-18,349,643, CTG deleted on the plus strand (CAG on the coding strand, the reverse complement: SATB1 is on the minus strand); deleting any 3 consecutive bases within chr3:18,349,641-18,349,661 gives the same sequence; the position shown is the placement nearest the transcript's 3' end. VCF-style (leftmost placement, unchanged base first): chr3-18349640-CCTG-C. GRCh37 (hg19) VCF-style: chr3-18391132-CCTG-C.
Other names: c.1801CAG[6], p.Gln607del (NM_001131010.4, NM_001322872.2, NM_001322873.2 and 2 more transcripts); c.1897CAG[6], p.Gln639del (NM_001195470.3, NM_001322871.2); c.1585CAG[6], p.Gln535del (NM_001322876.2); short protein forms Q535del, Q607del, Q639del.
Identifiers: ClinVar variation 3060259 (VCV003060259.3), dbSNP rs759934751, ClinGen allele CA2281914.

ClinVar aggregate classification (germline): Likely benign. Review status: criteria provided, single submitter (1 of 4 stars). 2 submissions from 2 submitters: Likely benign (1). 1 of the submissions does not count toward it. Last evaluated 2024-11-20.

Conditions:
SATB1-related disorder. Also called: SATB1-related condition.

Submissions (2):

Blueprint Genetics
Classification: Likely benign. Last evaluated: 2024-11-20. Review status: criteria provided, single submitter. Criteria: ACMG Guidelines, 2015. Collection method: clinical testing. Allele origin: germline.

PreventionGenetics, part of Exact Sciences
Classification: Benign for SATB1-related condition. Last evaluated: 2024-02-21. Review status: no assertion criteria provided. Collection method: clinical testing. Allele origin: germline. Not counted in ClinVar's aggregate classification.
Comment: This variant is classified as benign based on ACMG/AMP sequence variant interpretation guidelines (Richards et al. 2015 PMID: 25741868, with internal and published modifications).